The following is an entry in ClinVar:

NM_003073.5(SMARCB1):c.363-2del

Gene: SMARCB1 (SWI/SNF related BAF chromatin remodeling complex subunit B1; plus strand). Cytogenetic location: 22q11.23.
Variant type: Deletion.
Coding change: c.363-2del on transcript NM_003073.5 (MANE Select); the canonical splice acceptor site of the intron before coding-DNA position 363, one base deleted (A; older notation c.363-2delA).
Molecular consequence: splice acceptor variant.
Genome position (GRCh38, 1-based): chr22:23,800,942, A deleted. VCF-style (leftmost placement, unchanged base first): chr22-23800941-CA-C. GRCh37 (hg19) VCF-style: chr22-24143128-CA-C.
Other names: c.363-2del (NM_001362877.2); c.336-2del (NM_001317946.2, NM_001007468.3).
Identifiers: ClinVar variation 1068309 (VCV001068309.8), dbSNP rs2145977986, ClinGen allele CA2499226031.

ClinVar aggregate classification (germline): Likely pathogenic (1 of 4 stars; one submission).

Submission:

Labcorp Genetics (formerly Invitae), Labcorp
Classification: Likely pathogenic. Last evaluated: 2020-01-23. Review status: criteria provided, single submitter. Criteria: Invitae Variant Classification Sherloc (09022015). Collection method: clinical testing. Allele origin: germline.
Comment: In summary, the currently available evidence indicates that the variant is pathogenic, but additional data are needed to prove that conclusively. Therefore, this variant has been classified as Likely Pathogenic. Donor and acceptor splice site variants typically lead to a loss of protein function (PMID: 16199547), and loss-of-function variants in SMARCB1 are known to be pathogenic (PMID: 10521299, 21208904). Algorithms developed to predict the effect of sequence changes on RNA splicing suggest that this variant may disrupt the consensus splice site, but this prediction has not been confirmed by published transcriptional studies. This variant has not been reported in the literature in individuals with SMARCB1-related conditions. This variant is not present in population databases (ExAC no frequency). This sequence change affects an acceptor splice site in intron 3 of the SMARCB1 gene. It is expected to disrupt RNA splicing and likely results in an absent or disrupted protein product.

Literature cited by the submitters: PubMed 16199547; PubMed 10521299; PubMed 21208904.